The following is an entry in ClinVar:

NM_000277.3(PAH):c.1115C>G (p.Thr372Arg)

Gene: PAH (phenylalanine hydroxylase; minus strand). Cytogenetic location: 12q23.2.
Variant type: single nucleotide variant.
Coding change: c.1115C>G on transcript NM_000277.3 (MANE Select); coding-DNA position 1115, C replaced by G.
Protein change: p.Thr372Arg; replaces threonine 372 with arginine.
Molecular consequence: missense variant.
Genome position (GRCh38, 1-based): chr12:102,843,730, G>C on the plus strand (C>G on the coding strand, the complement: PAH is on the minus strand). VCF-style: chr12-102843730-G-C. GRCh37 (hg19) VCF-style: chr12-103237508-G-C.
Other names: NM_000277.3:c.1115C>G; c.1115C>G, p.Thr372Arg (NM_001354304.2); short protein forms T372R.
Identifiers: ClinVar variation 1327554 (VCV001327554.1), dbSNP rs2136635740, ClinGen allele CA16020942.
Genomic context (GRCh38, chr12:102,843,730, plus strand): 5'-AAACTCTCTGCCACGTAATAGAGGGGCTGGAACTCCGTGACAGTGTAATTTTGGATGGCT[G>C]TCTTCTCCAGCTCCAGGGGGAGAAGCTTTGGCTTCTCTGATAAGCAGTACTGTAGGCCCC-3'
Protein context (NP_000268.1, residues 362-382): PKLLPLELEK[Thr372Arg]AIQNYTVTEF

ClinVar aggregate classification (germline): Likely pathogenic (3 of 4 stars; one submission).

Conditions:
Phenylketonuria (PKU). Also called: Phenylketonuria (PKU); FOLLING DISEASE; OLIGOPHRENIA PHENYLPYRUVICA; Phenylketonurias. Identifiers: Orphanet 716, MedGen C0031485, MONDO:0009861, OMIM 261600. Disease mechanism: loss of function.

Submission:

ClinGen PAH Variant Curation Expert Panel
Classification: Likely pathogenic for Phenylketonuria. Last evaluated: 2020-08-10. Review status: reviewed by expert panel. Criteria: ClinGen PAH ACMG Specifications v1. Collection method: curation. Allele origin: germline. Inheritance: Autosomal recessive inheritance.
Comment: The c.1115C>G (p.Thr372Arg) variant in PAH has been reported in 3 individuals with classic PKU (BH4 deficiency excluded, PMID: 26503515) detected in trans with pathogenic variants: p.R176* (2 patients) and p.R408W (PMID: 30050108). This variant is absent in population databases. Computational evidence support a deleterious effect. In summary, this variant meets criteria to be classified as likely pathogenic for PAH. PAH-specific ACMG/AMP criteria applied: PP4_Moderate, PM2, PM3_strong, PP3.

Literature cited by the submitters: PubMed 26503515.